The following is an entry in ClinVar:

NM_001267550.2(TTN):c.2145_2176delinsG (p.Glu716fs)

Gene: TTN (titin; minus strand). Cytogenetic location: 2q31.2.
Variant type: Indel.
Coding change: c.2145_2176delinsG on transcript NM_001267550.2 (MANE Select); coding-DNA positions 2145 to 2176, the reference bases replaced by G.
Protein change: p.Glu716fs; shifts the reading frame from glutamic acid 716.
Molecular consequence: frameshift variant.
Genome position (GRCh38, 1-based): chr2:178,786,042-178,786,073, 32 bases replaced. GRCh37 (hg19): chr2:179,650,769-179,650,800.
Other names: c.2145_2176delinsG, p.Glu716fs (NM_001256850.1, NM_133378.4, NM_133379.5); c.2007_2038delinsG, p.Glu670fs (NM_003319.4, NM_133432.3, NM_133437.4); short protein forms E670fs, E716fs.
Identifiers: ClinVar variation 4991277 (VCV004991277.1).

ClinVar aggregate classification (germline): Likely pathogenic (1 of 4 stars; one submission).

Conditions:
TTN-related disorder. Also called: TTN-related disorders; TTN-related condition; TTN-related disease.

Submission:

PreventionGenetics, part of Exact Sciences
Classification: Likely pathogenic for TTN-related condition. Last evaluated: 2025-10-29. Review status: criteria provided, single submitter. Criteria: ACMG Guidelines, 2015. Collection method: clinical testing. Allele origin: germline.
Comment: The TTN c.2145_2176delinsG variant is predicted to result in a frameshift and premature protein termination (p.Glu716Profs*21). To our knowledge, this variant has not been reported in the literature or in a large population database (gnomAD), indicating this variant is rare. This variant is located in the TTN protein Z-disk region. RNAseq studies from heart tissue indicate this exon is commonly included in TTN mRNA transcripts (PSI of 95%-100%, Roberts et al. 2015. PubMed ID: 25589632). TTN loss-of-function variants occurring in constitutively expressed exons (PSI > 90%) are more likely to be disease causing for TTN cardiac-related disorders regardless of band location (Roberts et al. 2015. PubMed ID: 25589632; Schafer et al. 2017. PubMed ID: 27869827; Akhtar et al. 2020. PubMed ID: 32964742). Many cases of recessive TTN-related myopathies in which the individual is compound heterozygous for two loss-of-function variants in TTN have also been reported (Ge et al. 2019. PubMed ID: 31053406; Oates et al. 2018. PubMed ID: 29691892; Rees et al. 2021. PubMed ID: 33449170). In summary, this variant is categorized as likely pathogenic. Of note, this variant is considered likely pathogenic for increased risk of TTN-related cardiac disorders, and also for autosomal recessive TTN-related congenital titinopathies.